The following is an entry in ClinVar:

ClinVar aggregate classification (germline): Uncertain significance (1 of 4 stars; one submission).

Allele frequency attached by ClinVar (database versions not stated): gnomAD exomes below 0.00001.
gnomAD v4.1: 5 of 1,601,562 alleles (0.00031%); highest among the groups gnomAD compares: Non-Finnish European, 0.00043%; no homozygotes.

Submission:

GeneDx
Classification: Uncertain significance. Last evaluated: 2026-09-08. Review status: criteria provided, single submitter. Criteria: GeneDx Variant Classification Process June 2021. Collection method: clinical testing. Allele origin: germline.
Comment: Has not been previously published as pathogenic or benign to our knowledge; In silico analysis supports that this missense variant has a deleterious effect on protein structure/function; Not observed at significant frequency in large population cohorts (gnomAD)

NM_001127221.2(CACNA1A):c.5567T>C (p.Leu1856Ser)

Gene: CACNA1A (calcium voltage-gated channel subunit alpha1 A; minus strand). Cytogenetic location: 19p13.13.
Variant type: single nucleotide variant.
Coding change: c.5567T>C on transcript NM_001127221.2 (MANE Plus Clinical); coding-DNA position 5567, T replaced by C.
Protein change: p.Leu1856Ser; replaces leucine 1856 with serine.
Molecular consequence: missense variant. On other transcripts: intron variant (4).
Genome position (GRCh38, 1-based): chr19:13,228,760, A>G on the plus strand (T>C on the coding strand, the complement: CACNA1A is on the minus strand). VCF-style: chr19-13228760-A-G. GRCh37 (hg19) VCF-style: chr19-13339574-A-G.
Other names: c.5529-1233T>C (NM_001127222.2); c.5538-1233T>C (NM_001174080.2); c.5547-1233T>C (NM_000068.4, NM_023035.3); short protein forms L1856S.
Identifiers: ClinVar variation 1329795 (VCV001329795.5), dbSNP rs2055562308, ClinGen allele CA404331556.